The following is an entry in ClinVar:

ClinVar aggregate classification (germline): Likely pathogenic. Review status: reviewed by expert panel (3 of 4 stars). 11 submissions from 11 submitters: Likely pathogenic (1). 10 of the submissions do not count toward it. Last evaluated 2023-02-13.

Conditions:
ACADVL-related disorder. Also called: ACADVL-related condition.
Inborn genetic diseases. Identifiers: MedGen C0950123, MeSH D030342.
Very long chain acyl-CoA dehydrogenase deficiency (ACADVLD). Also called: Very Long-Chain Acyl-Coenzyme A Dehydrogenase Deficiency; VLCAD Deficiency. Identifiers: Orphanet 26793, MedGen C3887523, MONDO:0008723, OMIM 201475.

Allele frequency attached by ClinVar (database versions not stated): gnomAD exomes 0.00001; gnomAD 0.00011; TOPMed 0.00026.
gnomAD v4.1: 28 of 1,613,958 alleles (0.0017%); highest among the groups gnomAD compares: Admixed American, 0.035%; no homozygotes.

Submissions (11):

ClinGen ACADVL Variant Curation Expert Panel, ClinGen
Classification: Likely pathogenic for Very long chain acyl-CoA dehydrogenase deficiency. Last evaluated: 2023-02-13. Review status: reviewed by expert panel. Criteria: clingen acadvl acmg specifications v1. Collection method: curation. Allele origin: germline. Inheritance: Autosomal recessive inheritance.
Comment: The c.1220G>C (NM_000018.4) variant in ACADVL is a missense variant predicted to cause substitution of glycine by alanine at amino acid 407 (p.Gly407Ala) and is also known as Gly367Ala in the fully processed protein. This variant has been reported as occurring in trans to a known pathogenic variant in a pair of siblings with positive newborn screens and reduced very long chain acyl-CoA dehydrogenase (VLCAD) activity (PMID: 28755359, PM3, PP1, PP4_moderate). At least one individual with this variant was identified by newborn screen, but this information is insufficient to use toward classification (PMID: 26385305, 23798014). The highest population minor allele frequency in gnomAD v2.1.1 is 0.00006 in the Latino population, which is lower than the ClinGen ACADVL Variant Curation Expert Panel threshold (<0.001) for PM2_Supporting, meeting this criterion (PM2_Supporting). The computational predictor REVEL gives a score of 0.803, which is above the threshold of 0.75, evidence that correlates with impact to ACADVL function (PP3). In summary, this variant meets the criteria to be classified as likely pathogenic for autosomal recessive VLCAD deficiency based on the ACMG/AMP criteria applied, as specified by the ClinGen ACADVL Variant Curation Expert Panel: PM2_Supporting, PM3, PP1, PP3, PP4_moderate (ACADVL VCEP specifications version 1; approved November 8, 2021).

Natera, Inc.
Classification: Likely pathogenic for Very long chain acyl-CoA dehydrogenase deficiency. Last evaluated: 2026-01-29. Review status: criteria provided, single submitter. Criteria: Natera Variant Classification Schema (03/2026). Collection method: clinical testing. Allele origin: germline. Not counted in ClinVar's aggregate classification.
Comment: The c.1220G>C variant in ACADVL is a missense variant predicted to cause substitution of glycine to alanine at amino acid 407. This variant is rare in the general population with a frequency below the threshold expected for the associated phenotype(s). This variant has been observed in one or more individuals affected with the associated recessive disease, as either homozygous or compound heterozygous with a second variant (PMID: 28755359, 23798014). Additionally, this variant has been observed to segregate in affected family members (PMID: 28755359). Computational prediction algorithms indicate this variant is likely to affect gene or protein function. Given the available evidence, this variant is classified as Likely Pathogenic.

Labcorp Genetics (formerly Invitae), Labcorp
Classification: Pathogenic for Very long chain acyl-CoA dehydrogenase deficiency. Last evaluated: 2025-11-08. Review status: criteria provided, single submitter. Criteria: Invitae Variant Classification Sherloc (09022015). Collection method: clinical testing. Allele origin: germline. Not counted in ClinVar's aggregate classification.
Comment: This sequence change replaces glycine, which is neutral and non-polar, with alanine, which is neutral and non-polar, at codon 407 of the ACADVL protein (p.Gly407Ala). This variant is present in population databases (no rsID available, gnomAD 0.003%). This missense change has been observed in individual(s) with very long-chain acyl-CoA dehydrogenase deficiency (PMID: 28755359; internal data). In at least one individual the data is consistent with being in trans (on the opposite chromosome) from a pathogenic variant. It has also been observed to segregate with disease in related individuals. ClinVar contains an entry for this variant (Variation ID: 474878). Invitae Evidence Modeling of protein sequence and biophysical properties (such as structural, functional, and spatial information, amino acid conservation, physicochemical variation, residue mobility, and thermodynamic stability) indicates that this missense variant is not expected to disrupt ACADVL protein function with a negative predictive value of 80%. For these reasons, this variant has been classified as Pathogenic.

Blueprint Genetics
Classification: Likely pathogenic for ACADVL-related disorders. Last evaluated: 2024-09-20. Review status: criteria provided, single submitter. Criteria: ACMG Guidelines, 2015. Collection method: clinical testing. Allele origin: germline. Affected: yes. Observed: 2 variant alleles. Not counted in ClinVar's aggregate classification.

ARUP Laboratories, Molecular Genetics and Genomics, ARUP Laboratories
Classification: Likely pathogenic for Very long chain acyl-CoA dehydrogenase deficiency. Last evaluated: 2024-06-28. Review status: criteria provided, single submitter. Criteria: ARUP Molecular Germline Variant Investigation Process 2024. Collection method: clinical testing. Allele origin: germline. Not counted in ClinVar's aggregate classification.
Comment: The ACADVL c.1220G>C; p.Gly407Ala variant (rs904631654, ClinVar Variation ID: 474878) is reported in the literature in a pair of siblings with VLCAD along with a second pathogenic variant (Merinero 2018). Additionally, this variant has been found in newborn screening cohorts (Martin-Rivada 2022, Miller 2015, Waisbren 2013). This variant is only observed on three alleles in the Genome Aggregation Database (v2.1.1), indicating it is not a common polymorphism. Computational analyses predict that this variant is deleterious (REVEL: 0.803). Based on available information, this variant is considered to be likely pathogenic. References: Martin-Rivada A et al. Diagnosis of inborn errors of metabolism within the expanded newborn screening in the Madrid region. JIMD Rep. 2022 Jan 27;63(2):146-161. PMID: 35281663. Merinero B et al. Four Years' Experience in the Diagnosis of Very Long-Chain Acyl-CoA Dehydrogenase Deficiency in Infants Detected in Three Spanish Newborn Screening Centers. JIMD Rep. 2018; 39:63-74. PMID: 28755359. Miller MJ et al. Recurrent ACADVL molecular findings in individuals with a positive newborn screen for very long chain acyl-coA dehydrogenase (VLCAD) deficiency in the United States. Mol Genet Metab. 2015 Nov;116(3):139-45. PMID: 26385305. Waisbren SE et al. Neuropsychological outcomes in fatty acid oxidation disorders: 85 cases detected by newborn screening. Dev Disabil Res Rev. 2013;17(3):260-8. PMID: 23798014.

Baylor Genetics
Classification: Likely pathogenic for Very long chain acyl-CoA dehydrogenase deficiency. Last evaluated: 2024-03-28. Review status: criteria provided, single submitter. Criteria: ACMG Guidelines, 2015. Collection method: clinical testing. Allele origin: unknown. Not counted in ClinVar's aggregate classification.

Fulgent Genetics
Classification: Likely pathogenic for Very long chain acyl-CoA dehydrogenase deficiency. Last evaluated: 2024-03-11. Review status: criteria provided, single submitter. Criteria: ACMG Guidelines, 2015. Collection method: clinical testing. Allele origin: germline. Not counted in ClinVar's aggregate classification.

Women's Health and Genetics/Laboratory Corporation of America, LabCorp
Classification: Likely pathogenic for Very long chain acyl-CoA dehydrogenase deficiency. Last evaluated: 2023-12-15. Review status: criteria provided, single submitter. Criteria: LabCorp Variant Classification Summary - May 2015. Collection method: clinical testing. Allele origin: germline. Not counted in ClinVar's aggregate classification.
Comment: Variant summary: ACADVL c.1220G>C (p.Gly407Ala) results in a non-conservative amino acid change located in the Acyl-CoA dehydrogenase/oxidase C-terminal domain (IPR009075) of the encoded protein sequence. Five of five in-silico tools predict a damaging effect of the variant on protein function. The variant allele was found at a frequency of 1.2e-05 in 251484 control chromosomes. c.1220G>C has been reported in the literature as a compound heterozygous genotype in at-least one set of siblings affected with Very Long Chain Acyl-CoA Dehydrogenase Deficiency diagnosed with characteristic plasma acylcarnitine profiles and lymphocyte VLCAD activity (example, Merrnero_2018). It has also been cited by others (example, Miller_2015, Waisbren_2013, Martin-Rivada_2022). These data indicate that the variant is likely to be associated with disease. To our knowledge, no experimental evidence demonstrating an impact on protein function has been reported. The following publications have been ascertained in the context of this evaluation (PMID: 35281663, 28755359, 26385305, 23798014). Five submitters have cited clinical-significance assessments for this variant to ClinVar after 2014. Based on the evidence outlined above, the variant was classified as likely pathogenic.

Ambry Genetics
Classification: Pathogenic for Inborn genetic diseases. Last evaluated: 2023-12-14. Review status: criteria provided, single submitter. Criteria: Ambry Variant Classification Scheme 2023. Collection method: clinical testing. Allele origin: germline. Not counted in ClinVar's aggregate classification.
Comment: The c.1220G>C (p.G407A) alteration is located in exon 12 (coding exon 12) of the ACADVL gene. This alteration results from a G to C substitution at nucleotide position 1220, causing the glycine (G) at amino acid position 407 to be replaced by an alanine (A). Based on data from gnomAD, the C allele has an overall frequency of 0.001% (3/251484) total alleles studied. The highest observed frequency was 0.016% (1/6138). This variant has been confirmed in trans with an ACADVL likely pathogenic variant in multiple individuals diagnosed with very long chain acyl-CoA dehydrogenase deficiency (Merinero, 2018). This amino acid position is highly conserved in available vertebrate species. This alteration is predicted to be deleterious by in silico analysis. Based on the available evidence, this alteration is classified as pathogenic.

GeneDx
Classification: Likely pathogenic. Last evaluated: 2020-07-01. Review status: criteria provided, single submitter. Criteria: GeneDx Variant Classification Process June 2021. Collection method: clinical testing. Allele origin: germline. Affected: yes. Not counted in ClinVar's aggregate classification.
Comment: Not observed at a significant frequency in large population cohorts (Lek et al., 2016); In silico analysis, which includes protein predictors and evolutionary conservation, supports a deleterious effect; This variant is associated with the following publications: (PMID: 28755359)

Wong Mito Lab, Molecular and Human Genetics, Baylor College of Medicine
Classification: Likely pathogenic for Very long chain acyl-CoA dehydrogenase deficiency. Last evaluated: 2019-11-01. Review status: criteria provided, single submitter. Criteria: ACMG Guidelines, 2015. Collection method: clinical testing. Allele origin: germline. Not counted in ClinVar's aggregate classification.
Comment: The NM_000018.3:c.1220G>C (NP_000009.1:p.Gly407Ala) [GRCH38: NC_000017.11:g.7223681G>C] variant in ACADVL gene is interpretated to be Likely pathogenic based on ACMG guidelines (PMID: 25741868). This variant has been reported. This variant meets the following evidence codes reported in the ACMG guidelines: PM1, PM3, PP3, PP4

Literature cited by the submitters: PubMed 28755359 (cited by 4 submitters); PubMed 23798014 (cited by Natera, Inc. and Women's Health and Genetics/Laboratory Corporation of America, LabCorp); PubMed 26385305 (cited by Women's Health and Genetics/Laboratory Corporation of America, LabCorp); PubMed 35281663 (cited by Women's Health and Genetics/Laboratory Corporation of America, LabCorp).

NM_000018.4(ACADVL):c.1220G>C (p.Gly407Ala)

Gene: ACADVL (acyl-CoA dehydrogenase very long chain; plus strand). Cytogenetic location: 17p13.1.
Variant type: single nucleotide variant.
Coding change: c.1220G>C on transcript NM_000018.4 (MANE Select); coding-DNA position 1220, G replaced by C.
Protein change: p.Gly407Ala; replaces glycine 407 with alanine.
Molecular consequence: missense variant.
Genome position (GRCh38, 1-based): chr17:7,223,681, G>C. VCF-style: chr17-7223681-G-C. GRCh37 (hg19) VCF-style: chr17-7127000-G-C.
Other names: NM_000018.4(ACADVL):c.1220G>C; p.Gly407Ala; c.1154G>C, p.Gly385Ala (NM_001033859.3); c.1289G>C, p.Gly430Ala (NM_001270447.2); c.992G>C, p.Gly331Ala (NM_001270448.2); c.1220G>C (NM_000018.2); short protein forms G407A, G331A, G385A, G430A.
Identifiers: ClinVar variation 474878 (VCV000474878.23), dbSNP rs904631654, ClinGen allele CA287439291.